The following is an entry in ClinVar:

ClinVar aggregate classification (germline): Likely benign (1 of 4 stars; one submission).

Allele frequency attached by ClinVar (database versions not stated): 1000 Genomes Project 0.00280; 1000 Genomes Project 30x 0.00281; TOPMed 0.00408; ExAC 0.00431; gnomAD 0.00494; ESP Exome Variant Server 0.00531; gnomAD exomes 0.00772.
gnomAD v4.1: 11,779 of 1,595,748 alleles (0.74%); highest among the groups gnomAD compares: Non-Finnish European, 0.9%; 51 homozygotes.

Submission:

CeGaT Center for Human Genetics Tuebingen
Classification: Likely benign. Last evaluated: 2023-05-01. Review status: criteria provided, single submitter. Criteria: CeGaT Center For Human Genetics Tuebingen Variant Classification Criteria Version 2. Collection method: clinical testing. Allele origin: germline. Affected: yes. Observed: 1 variant allele.
Comment: SERINC1: BP4, BS2

NM_020755.4(SERINC1):c.589+3A>G

Gene: SERINC1 (serine incorporator 1; minus strand). Cytogenetic location: 6q22.31.
Variant type: single nucleotide variant.
Coding change: c.589+3A>G on transcript NM_020755.4 (MANE Select); 3 bases into the intron after coding-DNA position 589, A replaced by G.
Molecular consequence: intron variant.
Genome position (GRCh38, 1-based): chr6:122,453,767, T>C on the plus strand (A>G on the coding strand, the complement: SERINC1 is on the minus strand). VCF-style: chr6-122453767-T-C. GRCh37 (hg19) VCF-style: chr6-122774912-T-C.
Identifiers: ClinVar variation 2656895 (VCV002656895.24), dbSNP rs140834654, ClinGen allele CA3982573.